The following is an entry in ClinVar:

NM_012452.3(TNFRSF13B):c.704C>T (p.Pro235Leu)

Gene: TNFRSF13B (TNF receptor superfamily member 13B; minus strand). Cytogenetic location: 17p11.2.
Variant type: single nucleotide variant.
Coding change: c.704C>T on transcript NM_012452.3 (MANE Select); coding-DNA position 704, C replaced by T.
Protein change: p.Pro235Leu; replaces proline 235 with leucine.
Molecular consequence: missense variant.
Genome position (GRCh38, 1-based): chr17:16,939,725, G>A on the plus strand (C>T on the coding strand, the complement: TNFRSF13B is on the minus strand). VCF-style: chr17-16939725-G-A. GRCh37 (hg19) VCF-style: chr17-16843039-G-A.
Other names: short protein forms P235L.
Identifiers: ClinVar variation 3708449 (VCV003708449.1).

ClinVar aggregate classification (germline): Uncertain significance (1 of 4 stars; one submission).

Conditions:
Immunodeficiency, common variable, 2 (CVID2). Also called: ANTIBODY DEFICIENCY DUE TO TACI DEFECT; HYPOGAMMAGLOBULINEMIA DUE TO TACI DEFICIENCY. Identifiers: Orphanet 1572, MedGen C3150354, MONDO:0009413, OMIM 240500.

gnomAD v4.1: 6 of 1,606,128 alleles (0.00037%); highest among the groups gnomAD compares: African/African-American, 0.008%; no homozygotes.

Submission:

Labcorp Genetics (formerly Invitae), Labcorp
Classification: Uncertain significance for Immunodeficiency, common variable, 2. Last evaluated: 2025-01-01. Review status: criteria provided, single submitter. Criteria: Invitae Variant Classification Sherloc (09022015). Collection method: clinical testing. Allele origin: germline.
Comment: This sequence change replaces proline, which is neutral and non-polar, with leucine, which is neutral and non-polar, at codon 235 of the TNFRSF13B protein (p.Pro235Leu). This variant is present in population databases (rs750688254, gnomAD 0.007%). This variant has not been reported in the literature in individuals affected with TNFRSF13B-related conditions. Invitae Evidence Modeling of protein sequence and biophysical properties (such as structural, functional, and spatial information, amino acid conservation, physicochemical variation, residue mobility, and thermodynamic stability) has been performed for this missense variant. However, the output from this modeling did not meet the statistical confidence thresholds required to predict the impact of this variant on TNFRSF13B protein function. In summary, the available evidence is currently insufficient to determine the role of this variant in disease. Therefore, it has been classified as a Variant of Uncertain Significance.